The following is an entry in ClinVar:

NM_000203.5(IDUA):c.11del (p.Leu4fs)

Genes: SLC26A1 (solute carrier family 26 member 1; minus strand), IDUA (alpha-L-iduronidase; plus strand). Cytogenetic location: 4p16.3.
Variant type: Deletion.
Coding change: c.11del on transcript NM_000203.5 (MANE Select); coding-DNA position 11, one base deleted (T; older notation c.11delT).
Protein change: p.Leu4fs; shifts the reading frame from leucine 4.
Molecular consequence: frameshift variant. On other transcripts: non-coding transcript variant (1), intron variant (1).
Genome position (GRCh38, 1-based): chr4:987,095, T deleted. VCF-style (leftmost placement, unchanged base first): chr4-987094-CT-C. GRCh37 (hg19) VCF-style: chr4-980882-CT-C.
Other names: c.576+4033del (NM_134425.4); short protein forms L4fs.
Identifiers: ClinVar variation 5012932 (VCV005012932.1).

ClinVar aggregate classification (germline): Pathogenic (1 of 4 stars; one submission).

Conditions:
Mucopolysaccharidosis type 1. Also called: IDUA deficiency; MPS I; Mucopolysaccharidosis Type I. Identifiers: Orphanet 579, MedGen C0023786, MONDO:0001586.

Submission:

Myriad Genetics, Inc.
Classification: Pathogenic for Mucopolysaccharidosis type 1. Last evaluated: 2024-04-20. Review status: criteria provided, single submitter. Criteria: Myriad Autosomal Dominant, Autosomal Recessive and X-Linked Classification Criteria (2023). Collection method: clinical testing. Allele origin: unknown.
Comment: NM_000203.3(IDUA):c.11delT(L4Rfs*104) is expected to be pathogenic in the context of mucopolysaccharidosis type I. This variant is predicted to lead to an abnormal or absent protein product due to the creation of a premature termination codon in IDUA, a gene where loss-of-function variants are known to be pathogenic. Please note: this variant was assessed in the context of healthy population screening.